The following is an entry in ClinVar:

ClinVar aggregate classification (germline): Uncertain significance (1 of 4 stars; one submission).

Conditions:
Duchenne muscular dystrophy (DMD). Also called: Duchenne Muscular Dystrophy (DMD); MUSCULAR DYSTROPHY, PSEUDOHYPERTROPHIC PROGRESSIVE, DUCHENNE TYPE. Identifiers: Orphanet 98896, MedGen C0013264, MONDO:0010679, OMIM 310200.

gnomAD v4.1: 3 of 1,211,539 alleles (0.00025%); highest among the groups gnomAD compares: Non-Finnish European, 0.00034%; no homozygotes.

Submission:

Labcorp Genetics (formerly Invitae), Labcorp
Classification: Uncertain significance for Duchenne muscular dystrophy. Last evaluated: 2023-12-11. Review status: criteria provided, single submitter. Criteria: Invitae Variant Classification Sherloc (09022015). Collection method: clinical testing. Allele origin: germline.
Comment: This sequence change replaces leucine, which is neutral and non-polar, with tryptophan, which is neutral and slightly polar, at codon 2260 of the DMD protein (p.Leu2260Trp). This variant is not present in population databases (gnomAD no frequency). This variant has not been reported in the literature in individuals affected with DMD-related conditions. ClinVar contains an entry for this variant (Variation ID: 1444027). Advanced modeling of protein sequence and biophysical properties (such as structural, functional, and spatial information, amino acid conservation, physicochemical variation, residue mobility, and thermodynamic stability) performed at Invitae indicates that this missense variant is not expected to disrupt DMD protein function with a negative predictive value of 95%. In summary, the available evidence is currently insufficient to determine the role of this variant in disease. Therefore, it has been classified as a Variant of Uncertain Significance.

NM_004006.3(DMD):c.6779T>G (p.Leu2260Trp)

Gene: DMD (dystrophin; minus strand). Cytogenetic location: Xp21.1.
Variant type: single nucleotide variant.
Coding change: c.6779T>G on transcript NM_004006.3 (MANE Select); coding-DNA position 6779, T replaced by G.
Protein change: p.Leu2260Trp; replaces leucine 2260 with tryptophan.
Molecular consequence: missense variant. On other transcripts: 5 prime UTR variant (5).
Genome position (GRCh38, 1-based): chrX:31,929,729, A>C on the plus strand (T>G on the coding strand, the complement: DMD is on the minus strand). VCF-style: chrX-31929729-A-C. GRCh37 (hg19) VCF-style: chrX-31947846-A-C.
Other names: c.6755T>G, p.Leu2252Trp (NM_000109.4); c.6767T>G, p.Leu2256Trp (NM_004009.3); c.6410T>G, p.Leu2137Trp (NM_004010.3); c.2756T>G, p.Leu919Trp (NM_004011.4); c.2747T>G, p.Leu916Trp (NM_004012.4); c.-602T>G (NM_004013.3, NM_004020.4, NM_004021.3 and 2 more transcripts); short protein forms L2137W, L2252W, L2260W, L2256W, L916W, L919W.
Identifiers: ClinVar variation 1444027 (VCV001444027.6), dbSNP rs2149990187, ClinGen allele CA412658035.